The following is an entry in ClinVar:

ClinVar aggregate classification (germline): Uncertain significance (1 of 4 stars; one submission).

Conditions:
Heterotopia, periventricular, X-linked dominant (PVNH1). Also called: PERIVENTRICULAR NODULAR HETEROTOPIA 1; X-linked periventricular heterotopia; PERIVENTRICULAR NODULAR HETEROTOPIA 4; HETEROTOPIA, PERIVENTRICULAR, 1. Identifiers: Orphanet 2149, Orphanet 82004, MedGen C1848213, MONDO:0010233, OMIM 300049.
Oto-palato-digital syndrome, type II (OPD2). Also called: OPD II SYNDROME; Otopalatodigital Syndrome, Type II; Otopalatodigital Syndrome Type 2 (FLNA-OPD2); FACIOPALATOOSSEOUS SYNDROME. Identifiers: Orphanet 669, Orphanet 90652, MedGen C1844696, MONDO:0010571, OMIM 304120.
Melnick-Needles syndrome (MNS). Also called: MELNICK-NEEDLES OSTEODYSPLASTY; OSTEODYSPLASTY OF MELNICK AND NEEDLES; Melnick-Needles Syndrome (FLNA-MNS). Identifiers: Orphanet 2484, MedGen C0025237, MONDO:0010650, OMIM 309350.
Frontometaphyseal dysplasia (FMD1). Identifiers: Orphanet 1826, MedGen C0265293, MONDO:0015942.

Submission:

Labcorp Genetics (formerly Invitae), Labcorp
Classification: Uncertain significance for Oto-palato-digital syndrome, type II; Heterotopia, periventricular, X-linked dominant; Frontometaphyseal dysplasia; Melnick-Needles syndrome. Last evaluated: 2022-01-29. Review status: criteria provided, single submitter. Criteria: Invitae Variant Classification Sherloc (09022015). Collection method: clinical testing. Allele origin: germline.
Comment: In summary, the available evidence is currently insufficient to determine the role of this variant in disease. Therefore, it has been classified as a Variant of Uncertain Significance. Advanced modeling of protein sequence and biophysical properties (such as structural, functional, and spatial information, amino acid conservation, physicochemical variation, residue mobility, and thermodynamic stability) performed at Invitae indicates that this missense variant is not expected to disrupt FLNA protein function. This variant has not been reported in the literature in individuals affected with FLNA-related conditions. This variant is not present in population databases (gnomAD no frequency). This sequence change replaces proline, which is neutral and non-polar, with alanine, which is neutral and non-polar, at codon 369 of the FLNA protein (p.Pro369Ala).

NM_001110556.2(FLNA):c.1105C>G (p.Pro369Ala)

Gene: FLNA (filamin A; minus strand). Cytogenetic location: Xq28.
Variant type: single nucleotide variant.
Coding change: c.1105C>G on transcript NM_001110556.2 (MANE Select); coding-DNA position 1105, C replaced by G.
Protein change: p.Pro369Ala; replaces proline 369 with alanine.
Molecular consequence: missense variant.
Genome position (GRCh38, 1-based): chrX:154,366,431, G>C on the plus strand (C>G on the coding strand, the complement: FLNA is on the minus strand). VCF-style: chrX-154366431-G-C. GRCh37 (hg19) VCF-style: chrX-153594799-G-C.
Other names: c.1105C>G, p.Pro369Ala (NM_001456.4); short protein forms P369A.
Identifiers: ClinVar variation 1353443 (VCV001353443.6), dbSNP rs1029103588, ClinGen allele CA337283684.